The following is an entry in ClinVar:

ClinVar aggregate classification (germline): Uncertain significance. Review status: criteria provided, multiple submitters, no conflicts (2 of 4 stars). 3 submissions from 3 submitters: Uncertain significance (3). Last evaluated 2021-09-23.

Conditions:
Congenital contractural arachnodactyly (CCA). Also called: BEALS SYNDROME; Beals-Hecht syndrome; Arthrogryposis, distal, type 9. Identifiers: Orphanet 115, MedGen C0220668, MONDO:0007363, OMIM 121050.

Allele frequency attached by ClinVar (database versions not stated): gnomAD exomes 0.00001.
gnomAD v4.1: 10 of 1,612,646 alleles (0.00062%); highest among the groups gnomAD compares: Non-Finnish European, 0.00085%; no homozygotes.

Submissions (3):

Mayo Clinic Laboratories, Mayo Clinic
Classification: Uncertain significance. Last evaluated: 2021-09-23. Review status: criteria provided, single submitter. Criteria: ACMG Guidelines, 2015. Collection method: clinical testing. Allele origin: germline.

Labcorp Genetics (formerly Invitae), Labcorp
Classification: Uncertain significance for Congenital contractural arachnodactyly. Last evaluated: 2020-02-14. Review status: criteria provided, single submitter. Criteria: Invitae Variant Classification Sherloc (09022015). Collection method: clinical testing. Allele origin: germline.
Comment: This sequence change replaces aspartic acid with histidine at codon 2016 of the FBN2 protein (p.Asp2016His). The aspartic acid residue is highly conserved and there is a moderate physicochemical difference between aspartic acid and histidine. This variant also falls at the last nucleotide of exon 47 of the FBN2 coding sequence, which is part of the consensus splice site for this exon. This variant is not present in population databases (ExAC no frequency). This variant has not been reported in the literature in individuals with FBN2-related conditions. Algorithms developed to predict the effect of missense changes on protein structure and function (SIFT, PolyPhen-2, Align-GVGD) all suggest that this variant is likely to be disruptive, but these predictions have not been confirmed by published functional studies and their clinical significance is uncertain. Nucleotide substitutions within the consensus splice site are a relatively common cause of aberrant splicing (PMID: 17576681, 9536098). In summary, the available evidence is currently insufficient to determine the role of this variant in disease. Therefore, it has been classified as a Variant of Uncertain Significance.

GeneDx
Classification: Uncertain significance. Last evaluated: 2019-09-16. Review status: criteria provided, single submitter. Criteria: GeneDx Variant Classification Process June 2021. Collection method: clinical testing. Allele origin: germline. Affected: yes.
Comment: Has not been previously published as pathogenic or benign to our knowledge; Not observed in large population cohorts (Lek et al., 2016); In silico analysis, which includes protein predictors and evolutionary conservation, supports a deleterious effect; Although located in a calcium-binding EGF-like domain of the FBN2 gene, it does not affect a cysteine residue within this domain; cysteine substitutions in the calcium-binding EGF-like domains represent the majority of pathogenic missense changes associated with FBN2 related disorders (Collod-Beroud et al., 2003; Frederic et al., 2009).

Literature cited by the submitters: PubMed 17576681 (cited by Labcorp Genetics (formerly Invitae), Labcorp); PubMed 9536098 (cited by Labcorp Genetics (formerly Invitae), Labcorp).

NM_001999.4(FBN2):c.6046G>C (p.Asp2016His)

Gene: FBN2 (fibrillin 2; minus strand). Cytogenetic location: 5q23.3.
Variant type: single nucleotide variant.
Coding change: c.6046G>C on transcript NM_001999.4 (MANE Select); coding-DNA position 6046, G replaced by C.
Protein change: p.Asp2016His; replaces aspartic acid 2016 with histidine.
Molecular consequence: missense variant.
Genome position (GRCh38, 1-based): chr5:128,301,382, C>G on the plus strand (G>C on the coding strand, the complement: FBN2 is on the minus strand). VCF-style: chr5-128301382-C-G. GRCh37 (hg19) VCF-style: chr5-127637074-C-G.
Other names: p.Asp2016His; short protein forms D2016H.
Identifiers: ClinVar variation 1044752 (VCV001044752.14), dbSNP rs1749711886, ClinGen allele CA360766641.